The following is an entry in ClinVar:

ClinVar aggregate classification (germline): Uncertain significance (1 of 4 stars; one submission).

gnomAD v4.1: 1 of 1,196,579 alleles (0.000084%); highest among the groups gnomAD compares: Admixed American, 0.0024%; no homozygotes.

Submission:

Labcorp Genetics (formerly Invitae), Labcorp
Classification: Uncertain significance. Last evaluated: 2021-11-06. Review status: criteria provided, single submitter. Criteria: Invitae Variant Classification Sherloc (09022015). Collection method: clinical testing. Allele origin: germline.
Comment: In summary, the available evidence is currently insufficient to determine the role of this variant in disease. Therefore, it has been classified as a Variant of Uncertain Significance. Algorithms developed to predict the effect of missense changes on protein structure and function (SIFT, PolyPhen-2, Align-GVGD) all suggest that this variant is likely to be tolerated. This variant has not been reported in the literature in individuals affected with STAG2-related conditions. This variant is not present in population databases (gnomAD no frequency). This sequence change replaces isoleucine, which is neutral and non-polar, with methionine, which is neutral and non-polar, at codon 771 of the STAG2 protein (p.Ile771Met).

NM_001042750.2(STAG2):c.2313A>G (p.Ile771Met)

Gene: STAG2 (STAG2 cohesin complex component; plus strand). Cytogenetic location: Xq25.
Variant type: single nucleotide variant.
Coding change: c.2313A>G on transcript NM_001042750.2 (MANE Select); coding-DNA position 2313, A replaced by G.
Protein change: p.Ile771Met; replaces isoleucine 771 with methionine.
Molecular consequence: missense variant.
Genome position (GRCh38, 1-based): chrX:124,068,611, A>G. VCF-style: chrX-124068611-A-G. GRCh37 (hg19) VCF-style: chrX-123202461-A-G.
Other names: c.2313A>G, p.Ile771Met (NM_001042749.2, NM_001042751.2, NM_001282418.2 and 13 more transcripts); short protein forms I771M.
Identifiers: ClinVar variation 1391814 (VCV001391814.6), dbSNP rs2148357622, ClinGen allele CA414275149.